The following is an entry in ClinVar:

NM_001369268.1(ACAN):c.2283del (p.Trp761fs)

Gene: ACAN (aggrecan; plus strand). Cytogenetic location: 15q26.1.
Variant type: Deletion.
Coding change: c.2283del on transcript NM_001369268.1 (MANE Select); coding-DNA position 2283, one base deleted (G; older notation c.2283delG).
Protein change: p.Trp761fs; shifts the reading frame from tryptophan 761.
Molecular consequence: frameshift variant.
Genome position (GRCh38, 1-based): chr15:88,854,868, G deleted; the last of 2 consecutive G bases (chr15:88,854,867-88,854,868); deleting either gives the same sequence. VCF-style (leftmost placement, unchanged base first): chr15-88854866-TG-T. GRCh37 (hg19) VCF-style: chr15-89398097-TG-T.
Other names: c.2283del, p.Trp761fs (NM_001135.4, NM_013227.4); short protein forms W761fs.
Identifiers: ClinVar variation 996362 (VCV000996362.2), dbSNP rs1897010482, ClinGen allele CA2194364586.
Genomic context (GRCh38, chr15:88,854,866, plus strand): 5'-AGAGTTAATAAACCCACACTTCATCTTTCTTCCTTCTTTCCTACAGGGATCCTTCCTACT[TG>T]GCCTCCCACTGGCGCAGCAACAGAGGAAAGTACAGAAGGCCCTTCTGCAACTGAAGTGCC-3'

ClinVar aggregate classification (germline): Pathogenic (1 of 4 stars; one submission).

Submission:

MVZ Dr. Eberhard & Partner Dortmund
Classification: Pathogenic. Last evaluated: 2020-10-08. Review status: criteria provided, single submitter. Criteria: ACMG Guidelines, 2015. Collection method: clinical testing. Allele origin: unknown. Observed: 1 heterozygote.
Comment: The deletion of 1 basepair in exon 12 creates a frame shift starting at codon Trp761. The new reading frame ends in a stop codon at position 49 (p.Trp761Cysfs*49). Therefore the mutation is a null variant in a gene where loss of function is a known mechanism of diesease. It is assumed de novo, but without confirmation of paternity and maternity. This variant is absent from controls in Exome Sequencing Project, 1000 Genomes Project and Exome Aggregation Consortium.